The following is an entry in ClinVar:

ClinVar aggregate classification (germline): Uncertain significance (1 of 4 stars; one submission).

Allele frequency attached by ClinVar (database versions not stated): TOPMed below 0.00001.

Submission:

GeneDx
Classification: Uncertain significance. Last evaluated: 2023-05-11. Review status: criteria provided, single submitter. Criteria: GeneDx Variant Classification Process June 2021. Collection method: clinical testing. Allele origin: germline. Affected: yes.
Comment: Not observed at significant frequency in large population cohorts (gnomAD); In silico analysis supports that this missense variant has a deleterious effect on protein structure/function; Has not been previously published as pathogenic or benign to our knowledge

NM_002430.3(MN1):c.931G>A (p.Gly311Ser)

Gene: MN1 (MN1 proto-oncogene, transcriptional regulator; minus strand). Cytogenetic location: 22q12.1.
Variant type: single nucleotide variant.
Coding change: c.931G>A on transcript NM_002430.3 (MANE Select); coding-DNA position 931, G replaced by A.
Protein change: p.Gly311Ser; replaces glycine 311 with serine.
Molecular consequence: missense variant.
Genome position (GRCh38, 1-based): chr22:27,799,613, C>T on the plus strand (G>A on the coding strand, the complement: MN1 is on the minus strand). VCF-style: chr22-27799613-C-T. GRCh37 (hg19) VCF-style: chr22-28195601-C-T.
Other names: short protein forms G311S.
Identifiers: ClinVar variation 2663238 (VCV002663238.1), dbSNP rs1933390924, ClinGen allele CA411049721.
Genomic context (GRCh38, chr22:27,799,613, plus strand): 5'-CTGAGGGCTCCAGACCCACAGGCATCTTTCTGGCCCCACTGAACCTCTCAAAGAACACAC[C>T]ATGCTGCTGCTGCTGCTGCTGGGGCTGCTGCTGCTGCTGGGGCTGCTGCTGCGGTGGCTG-3'
Protein context (NP_002421.3, residues 301-321): QQPQQQQQQH[Gly311Ser]VFFERFSGAR